The following continues an entry in ClinVar:

NM_007294.4(BRCA1):c.2901_2902dup (p.Pro968fs)

Gene: BRCA1. ClinVar aggregate classification (germline): Pathogenic. Pathogenic (1).

Submissions 10 to 14 of 14:

Women's Health and Genetics/Laboratory Corporation of America, LabCorp
Classification: Pathogenic for Hereditary breast and ovarian cancer syndrome. Last evaluated: 2018-07-31. Review status: criteria provided, single submitter. Criteria: LabCorp Variant Classification Summary - May 2015. Collection method: clinical testing. Allele origin: germline. Not counted in ClinVar's aggregate classification.
Comment: Variant summary: BRCA1 c.2901_2902dupTC (p.Pro968LeufsX33) results in a premature termination codon, predicted to cause a truncation of the encoded protein or absence of the protein due to nonsense mediated decay, which are commonly known mechanisms for disease. The variant was absent in 246162 control chromosomes (gnomAD). The variant, c.2901_2902dupTC (also known as 3020insCT, 2901incCT, 2900_2901dupCT) has been reported in the literature in multiple individuals affected with Hereditary Breast and Ovarian Cancer, including in one family where it segregated with disease (Blay_2013, Ruiz_2014). These data indicate that the variant is very likely to be associated with disease. To our knowledge, no experimental evidence demonstrating an impact on protein function has been reported. Five clinical diagnostic laboratories have submitted clinical-significance assessments for this variant to ClinVar after 2014 without evidence for independent evaluation. All laboratories classified the variant as pathogenic. Based on the evidence outlined above, the variant was classified as pathogenic.

Quest Diagnostics Nichols Institute San Juan Capistrano
Classification: Pathogenic for Breast-ovarian cancer, familial, susceptibility to, 1. Last evaluated: 2016-05-13. Review status: criteria provided, single submitter. Criteria: Quest Diagnostics criteria. Collection method: clinical testing. Allele origin: germline. Inheritance: Autosomal dominant inheritance. Not counted in ClinVar's aggregate classification.

Consortium of Investigators of Modifiers of BRCA1/2 (CIMBA), c/o University of Cambridge
Classification: Pathogenic for Breast-ovarian cancer, familial, susceptibility to, 1. Last evaluated: 2015-10-02. Review status: criteria provided, single submitter. Criteria: CIMBA Mutation Classification guidelines May 2016. Collection method: clinical testing. Allele origin: germline. Not counted in ClinVar's aggregate classification.

Molecular Oncology, Hospital Universitario Central de Asturias (HUCA)
Classification: Pathogenic for Breast-ovarian cancer, familial, susceptibility to, 1. Last evaluated: 2021-05-24. Review status: no assertion criteria provided. Collection method: case-control. Allele origin: germline. Affected: yes. Not counted in ClinVar's aggregate classification.

Sharing Clinical Reports Project (SCRP)
Classification: Pathogenic for Breast-ovarian cancer, familial 1. Last evaluated: 2012-09-15. Review status: no assertion criteria provided. Collection method: clinical testing. Allele origin: germline. Not counted in ClinVar's aggregate classification.

Literature cited by the submitters: PubMed 20104584 (cited by Labcorp Genetics (formerly Invitae), Labcorp); PubMed 23683081 (cited by 7 submitters); PubMed 24137399 (cited by 4 submitters); PubMed 25136594 (cited by 3 submitters); PubMed 30103829 (cited by Ambry Genetics and Sema4); PubMed 31771539 (cited by Ambry Genetics); PubMed 33471991 (cited by Department of Pathology and Laboratory Medicine, Sinai Health System and Sema4); PubMed 29446198 (cited by Sema4); PubMed 28127413 (cited by Women's Health and Genetics/Laboratory Corporation of America, LabCorp); PubMed 26295337 (cited by Quest Diagnostics Nichols Institute San Juan Capistrano); PubMed 38922859 (cited by Molecular Oncology, Hospital Universitario Central de Asturias (HUCA)).